The following is an entry in ClinVar:

ClinVar aggregate classification (germline): Likely pathogenic (0 of 4 stars; one submission).

Conditions:
FANCM-related disorder. Also called: FANCM-related condition.

Submission:

PreventionGenetics, part of Exact Sciences
Classification: Likely pathogenic for FANCM-related condition. Last evaluated: 2024-04-15. Review status: no assertion criteria provided. Collection method: clinical testing. Allele origin: germline.
Comment: The FANCM c.107delG variant is predicted to result in a frameshift and premature protein termination (p.Gly36Alafs*35). To our knowledge, this variant has not been reported in the literature or in a large population database, indicating this variant is rare. Frameshift variants in FANCM are expected to be pathogenic. This variant is interpreted as likely pathogenic.

NM_020937.4(FANCM):c.107del (p.Gly36fs)

Gene: FANCM (FA complementation group M; plus strand). Cytogenetic location: 14q21.2.
Variant type: Deletion.
Coding change: c.107del on transcript NM_020937.4 (MANE Select); coding-DNA position 107, one base deleted (G; older notation c.107delG).
Protein change: p.Gly36fs; shifts the reading frame from glycine 36.
Molecular consequence: frameshift variant.
Genome position (GRCh38, 1-based): chr14:45,136,138, G deleted; the last of 2 consecutive G bases (chr14:45,136,137-45,136,138); deleting either gives the same sequence. VCF-style (leftmost placement, unchanged base first): chr14-45136136-TG-T. GRCh37 (hg19) VCF-style: chr14-45605339-TG-T.
Other names: c.107del, p.Gly36fs (NM_001308133.2, NM_001308134.2); short protein forms G36fs.
Identifiers: ClinVar variation 2637171 (VCV002637171.2), dbSNP rs1885473805, ClinGen allele CA2133599242.